The following is an entry in ClinVar:

ClinVar aggregate classification (germline): Uncertain significance (1 of 4 stars; one submission).

Conditions:
Leukocyte adhesion deficiency 1 (LAD1). Also called: LEUKOCYTE ADHESION DEFICIENCY, TYPE I; LAD 1; Lymphocyte function-associated antigen 1 immunodeficiency; LFA 1 immunodeficiency. Identifiers: Orphanet 2968, Orphanet 99842, MedGen C0398738, MONDO:0007293, OMIM 116920.

Submission:

Labcorp Genetics (formerly Invitae), Labcorp
Classification: Uncertain significance for Leukocyte adhesion deficiency 1. Last evaluated: 2022-12-02. Review status: criteria provided, single submitter. Criteria: Invitae Variant Classification Sherloc (09022015). Collection method: clinical testing. Allele origin: germline.
Comment: In summary, the available evidence is currently insufficient to determine the role of this variant in disease. Therefore, it has been classified as a Variant of Uncertain Significance. Advanced modeling of protein sequence and biophysical properties (such as structural, functional, and spatial information, amino acid conservation, physicochemical variation, residue mobility, and thermodynamic stability) has been performed at Invitae for this missense variant, however the output from this modeling did not meet the statistical confidence thresholds required to predict the impact of this variant on ITGB2 protein function. ClinVar contains an entry for this variant (Variation ID: 1517117). This variant has not been reported in the literature in individuals affected with ITGB2-related conditions. This variant is not present in population databases (gnomAD no frequency). This sequence change replaces leucine, which is neutral and non-polar, with methionine, which is neutral and non-polar, at codon 369 of the ITGB2 protein (p.Leu369Met).

NM_000211.5(ITGB2):c.1105C>A (p.Leu369Met)

Gene: ITGB2 (integrin subunit beta 2; minus strand). Cytogenetic location: 21q22.3.
Variant type: single nucleotide variant.
Coding change: c.1105C>A on transcript NM_000211.5 (MANE Select); coding-DNA position 1105, C replaced by A.
Protein change: p.Leu369Met; replaces leucine 369 with methionine.
Molecular consequence: missense variant.
Genome position (GRCh38, 1-based): chr21:44,893,523, G>T on the plus strand (C>A on the coding strand, the complement: ITGB2 is on the minus strand). VCF-style: chr21-44893523-G-T. GRCh37 (hg19) VCF-style: chr21-46313438-G-T.
Other names: c.1105C>A, p.Leu369Met (NM_001127491.3); c.898C>A, p.Leu300Met (NM_001303238.2); short protein forms L300M, L369M.
Identifiers: ClinVar variation 1517117 (VCV001517117.8), dbSNP rs2146508445, ClinGen allele CA410486053.